The following is an entry in ClinVar:

NM_152419.3(HGSNAT):c.1858G>A (p.Val620Met)

Gene: HGSNAT (heparan-alpha-glucosaminide N-acetyltransferase; plus strand). Cytogenetic location: 8p11.21.
Variant type: single nucleotide variant.
Coding change: c.1858G>A on transcript NM_152419.3 (MANE Select); coding-DNA position 1858, G replaced by A.
Protein change: p.Val620Met; replaces valine 620 with methionine.
Molecular consequence: missense variant.
Genome position (GRCh38, 1-based): chr8:43,199,519, G>A. VCF-style: chr8-43199519-G-A. GRCh37 (hg19) VCF-style: chr8-43054662-G-A.
Other names: c.1945G>A, p.Val649Met (NM_001363227.2); c.1666G>A, p.Val556Met (NM_001363228.2); c.994G>A, p.Val332Met (NM_001363229.2); short protein forms V556M, V649M, V332M, V620M.
Identifiers: ClinVar variation 969434 (VCV000969434.5), dbSNP rs1413168448, ClinGen allele CA371121670.

ClinVar aggregate classification (germline): Uncertain significance. Review status: criteria provided, single submitter (1 of 4 stars). 2 submissions from 2 submitters: Uncertain significance (1). 1 of the submissions does not count toward it. Last evaluated 2022-10-28.

Conditions:
Mucopolysaccharidosis, MPS-III-C (MPS3C). Also called: MPS IIIC (Sanfilippo Syndrome Type C); MUCOPOLYSACCHARIDOSIS, TYPE IIIC; Mucopolysaccharidosis type IIIC (Sanfilippo C); mucopolysaccharidosis type 3C; SANFILIPPO SYNDROME C; MPS III C. Identifiers: Orphanet 581, Orphanet 79271, MedGen C0086649, MONDO:0009657, OMIM 252930.
Retinitis pigmentosa 73 (RP73). Identifiers: Orphanet 791, MedGen C4225287, MONDO:0014687, OMIM 616544.

Allele frequency attached by ClinVar (database versions not stated): gnomAD exomes below 0.00001.
gnomAD v4.1: 1 of 1,607,000 alleles (0.000062%); highest among the groups gnomAD compares: Non-Finnish European, 0.000085%; no homozygotes.

Submissions (2):

Labcorp Genetics (formerly Invitae), Labcorp
Classification: Uncertain significance for Retinitis pigmentosa 73; Mucopolysaccharidosis, MPS-III-C. Last evaluated: 2022-10-28. Review status: criteria provided, single submitter. Criteria: Invitae Variant Classification Sherloc (09022015). Collection method: clinical testing. Allele origin: germline.
Comment: This sequence change replaces valine, which is neutral and non-polar, with methionine, which is neutral and non-polar, at codon 620 of the HGSNAT protein (p.Val620Met). This variant is present in population databases (no rsID available, gnomAD 0.0009%). This variant has not been reported in the literature in individuals affected with HGSNAT-related conditions. ClinVar contains an entry for this variant (Variation ID: 969434). Advanced modeling of protein sequence and biophysical properties (such as structural, functional, and spatial information, amino acid conservation, physicochemical variation, residue mobility, and thermodynamic stability) has been performed at Invitae for this missense variant, however the output from this modeling did not meet the statistical confidence thresholds required to predict the impact of this variant on HGSNAT protein function. In summary, the available evidence is currently insufficient to determine the role of this variant in disease. Therefore, it has been classified as a Variant of Uncertain Significance.

Natera, Inc.
Classification: Uncertain significance for Mucopolysaccharidosis type IIIC. Last evaluated: 2020-01-29. Review status: no assertion criteria provided. Collection method: clinical testing. Allele origin: germline. Not counted in ClinVar's aggregate classification.